The following is an entry in ClinVar:

ClinVar aggregate classification (germline): Likely pathogenic (3 of 4 stars; one submission).

Conditions:
Glanzmann thrombasthenia. Also called: THROMBASTHENIA OF GLANZMANN AND NAEGELI; PLATELET GLYCOPROTEIN IIb-IIIa DEFICIENCY; Thrombasthenia; Glanzmann's thrombasthenia. Identifiers: Orphanet 849, MedGen C0040015, MONDO:0100326.

Submission:

ClinGen Platelet Disorders Variant Curation Expert Panel, ClinGen
Classification: Likely pathogenic for Glanzmann thrombasthenia. Last evaluated: 2026-01-20. Review status: reviewed by expert panel. Criteria: ClinGen Platelet ACMG Specifications v2-1. Collection method: curation. Allele origin: germline. Inheritance: Autosomal recessive inheritance.
Comment: The NM_000419.5(ITGA2B):c.2478dup (p.Gly827TrpfsTer?) variant was identified in a patient (PMID 25607928) with reported GT. This variant is absent from the gnomAD database v4.1 (PM2_Supporting). This variant results in the insertion of a single thymine at c.2478_2479 that results in a Gly827Trp substitution and subsequent frameshift leading to a premature stop codon at amino acid 921. This occurs >50bp from the penultimate exon/intron boundary (<c.3011) as established by the PD EP (PVS1_Met). In summary, this variant meets the criteria to be classified as likely pathogenic for autosomal recessive Glanzmann Thrombasthenia based on the ACMG/AMP criteria applied, as specified by the ClinGen PD VCEP: PVS1, PM2_Supporting.

NM_000419.5(ITGA2B):c.2478dup (p.Gly827fs)

Gene: ITGA2B (integrin subunit alpha 2b; minus strand). Cytogenetic location: 17q21.31.
Variant type: Duplication.
Coding change: c.2478dup on transcript NM_000419.5 (MANE Select); coding-DNA position 2478, one base duplicated (T; older notation c.2478dupT).
Protein change: p.Gly827fs; shifts the reading frame from glycine 827.
Molecular consequence: frameshift variant.
Genome position (GRCh38, 1-based): chr17:44,375,956, A duplicated on the plus strand (T on the coding strand, the reverse complement: ITGA2B is on the minus strand). VCF-style (leftmost placement, unchanged base first): chr17-44375955-C-CA. GRCh37 (hg19) VCF-style: chr17-42453323-C-CA.
Other names: NM_000419.5:c.2478dup; short protein forms G827fs.
Identifiers: ClinVar variation 2506404 (VCV002506404.2), dbSNP rs2510074733, ClinGen allele CA915940290.